The following is an entry in ClinVar:

NM_000548.5(TSC2):c.4563C>T (p.Pro1521=)

Gene: TSC2 (TSC complex subunit 2; plus strand). Cytogenetic location: 16p13.3.
Variant type: single nucleotide variant.
Coding change: c.4563C>T on transcript NM_000548.5 (MANE Select); coding-DNA position 4563, C replaced by T.
Protein change: p.Pro1521=; no amino-acid change (proline 1521 retained).
Molecular consequence: synonymous variant.
Genome position (GRCh38, 1-based): chr16:2,085,020, C>T. VCF-style: chr16-2085020-C-T. GRCh37 (hg19) VCF-style: chr16-2135021-C-T.
Other names: c.4362C>T, p.Pro1454= (NM_001077183.3); c.4494C>T, p.Pro1498= (NM_001114382.3); c.4254C>T, p.Pro1418= (NM_001318827.2); c.4218C>T, p.Pro1406= (NM_001318829.2); c.3831C>T, p.Pro1277= (NM_001318831.2); c.4395C>T, p.Pro1465= (NM_001318832.2); c.4365C>T, p.Pro1455= (NM_001363528.2); c.4431C>T, p.Pro1477= (NM_001370404.1); and 1 more.
Identifiers: ClinVar variation 825004 (VCV000825004.16), dbSNP rs989650743, ClinGen allele CA276754053.
Genomic context (GRCh38, chr16:2,085,020, plus strand): 5'-CCTGCAGCTCTACCATTCCCCCTTCTTTGGCGACGAGTCAAACAAGCCAATCCTGCTGCC[C>T]AATGAGGTAGGCGTGGCCTCCCTCTCCTGCATCCGCTGGAGCTGTGTGGCTCGGGTGAAT-3'
Protein context (NP_000539.2, residues 1511-1531): GDESNKPILL[Pro1521=]NESQSFERSV

ClinVar aggregate classification (germline): Benign/Likely benign. Review status: criteria provided, multiple submitters, no conflicts (2 of 4 stars). 4 submissions from 4 submitters: Benign (2); Likely benign (2). Last evaluated 2026-01-08.

Conditions:
Hereditary cancer-predisposing syndrome. Also called: Neoplastic Syndromes, Hereditary; Hereditary Cancer Syndrome; Hereditary neoplastic syndrome; Tumor predisposition. Identifiers: Orphanet 140162, MedGen C0027672, MeSH D009386, MONDO:0015356.
Tuberous sclerosis 2 (TSC2). Identifiers: Orphanet 805, MedGen C1860707, MONDO:0013199, OMIM 613254.

Allele frequency attached by ClinVar (database versions not stated): gnomAD exomes below 0.00001.

Submissions (4):

Labcorp Genetics (formerly Invitae), Labcorp
Classification: Likely benign for Tuberous sclerosis 2. Last evaluated: 2026-01-08. Review status: criteria provided, single submitter. Criteria: Invitae Variant Classification Sherloc (09022015). Collection method: clinical testing. Allele origin: germline.

Myriad Genetics, Inc.
Classification: Benign for Tuberous sclerosis 2. Last evaluated: 2025-06-04. Review status: criteria provided, single submitter. Criteria: Myriad Autosomal Dominant, Autosomal Recessive and X-Linked Classification Criteria (2023). Collection method: clinical testing. Allele origin: unknown.
Comment: This variant is considered benign. This variant is a silent/synonymous amino acid change and it is not expected to impact splicing.

Genome-Nilou Lab
Classification: Benign for Tuberous sclerosis 2. Last evaluated: 2021-11-07. Review status: criteria provided, single submitter. Criteria: ACMG Guidelines, 2015. Collection method: clinical testing. Allele origin: germline. Affected: no.

Ambry Genetics
Classification: Likely benign for Hereditary cancer-predisposing syndrome. Last evaluated: 2015-12-21. Review status: criteria provided, single submitter. Criteria: Ambry Variant Classification Scheme 2023. Collection method: clinical testing. Allele origin: germline.